The following is an entry in ClinVar:

ClinVar aggregate classification (germline): Uncertain significance. Review status: criteria provided, multiple submitters, no conflicts (2 of 4 stars). 4 submissions from 4 submitters: Uncertain significance (2). 2 of the submissions do not count toward it. Last evaluated 2024-06-18.

Allele frequency attached by ClinVar (database versions not stated): TOPMed 0.00003; gnomAD 0.00004.
gnomAD v4.1: 34 of 1,613,590 alleles (0.0021%); highest among the groups gnomAD compares: Non-Finnish European, 0.0029%; no homozygotes.

Submissions (4):

GeneDx
Classification: Uncertain significance. Last evaluated: 2024-06-18. Review status: criteria provided, single submitter. Criteria: GeneDx Variant Classification Process June 2021. Collection method: clinical testing. Allele origin: germline. Affected: yes.
Comment: In silico analysis supports that this missense variant has a deleterious effect on protein structure/function; Has not been previously published as pathogenic or benign to our knowledge

Eurofins Ntd Llc (ga)
Classification: Uncertain significance. Last evaluated: 2014-11-17. Review status: criteria provided, single submitter. Criteria: EGL Classification Definitions 2015. Collection method: clinical testing. Allele origin: germline. Observed: 1 variant allele, 1 heterozygote.

Clinical Genetics DNA and cytogenetics Diagnostics Lab, Erasmus MC, Erasmus Medical Center
Classification: Uncertain significance. Review status: no assertion criteria provided. Collection method: clinical testing. Allele origin: germline. Affected: yes. Study: VKGL Data-share Consensus. Not counted in ClinVar's aggregate classification.

Clinical Genetics, Academic Medical Center
Classification: Uncertain significance. Review status: no assertion criteria provided. Collection method: clinical testing. Allele origin: germline. Affected: yes. Study: VKGL Data-share Consensus. Not counted in ClinVar's aggregate classification.

NM_001145809.2(MYH14):c.752C>A (p.Pro251His)

Gene: MYH14 (myosin heavy chain 14; plus strand). Cytogenetic location: 19q13.33.
Variant type: single nucleotide variant.
Coding change: c.752C>A on transcript NM_001145809.2 (MANE Select); coding-DNA position 752, C replaced by A.
Protein change: p.Pro251His; replaces proline 251 with histidine.
Molecular consequence: missense variant.
Genome position (GRCh38, 1-based): chr19:50,225,619, C>A. VCF-style: chr19-50225619-C-A. GRCh37 (hg19) VCF-style: chr19-50728876-C-A.
Other names: c.752C>A, p.Pro251His (NM_001077186.2); c.728C>A, p.Pro243His (NM_024729.4); short protein forms P251H, P243H.
Identifiers: ClinVar variation 198256 (VCV000198256.10), dbSNP rs779215539, ClinGen allele CA246803.